The following is an entry in ClinVar:

NM_001849.4(COL6A2):c.1492C>T (p.Arg498Cys)

Gene: COL6A2 (collagen type VI alpha 2 chain; plus strand). Cytogenetic location: 21q22.3.
Variant type: single nucleotide variant.
Coding change: c.1492C>T on transcript NM_001849.4 (MANE Select); coding-DNA position 1492, C replaced by T.
Protein change: p.Arg498Cys; replaces arginine 498 with cysteine.
Molecular consequence: missense variant.
Genome position (GRCh38, 1-based): chr21:46,121,589, C>T. VCF-style: chr21-46121589-C-T. GRCh37 (hg19) VCF-style: chr21-47541503-C-T.
Other names: c.1492C>T, p.Arg498Cys (NM_058174.3, NM_058175.3); c.1492C>T (NM_001849.3); short protein forms R498C.
Identifiers: ClinVar variation 1009267 (VCV001009267.8), dbSNP rs776748046, ClinGen allele CA10071918.

ClinVar aggregate classification (germline): Uncertain significance. Review status: criteria provided, multiple submitters, no conflicts (2 of 4 stars). 2 submissions from 2 submitters: Uncertain significance (2). Last evaluated 2026-01-21.

Conditions:
Bethlem myopathy 1A. Also called: Bethlem Muscular Dystrophy; MYOPATHY, BENIGN CONGENITAL, WITH CONTRACTURES; Bethlem myopathy 1. Identifiers: Orphanet 610, MedGen CN029274, MONDO:0024530, OMIM 158810.
Inborn genetic diseases. Identifiers: MedGen C0950123, MeSH D030342.

Allele frequency attached by ClinVar (database versions not stated): ExAC 0.00001; gnomAD exomes 0.00002; gnomAD 0.00004 and 0.00005; TOPMed 0.00004.

Submissions (2):

Ambry Genetics
Classification: Uncertain significance for Inborn genetic diseases. Last evaluated: 2026-01-21. Review status: criteria provided, single submitter. Criteria: Ambry Variant Classification Scheme 2023. Collection method: clinical testing. Allele origin: germline.

Labcorp Genetics (formerly Invitae), Labcorp
Classification: Uncertain significance for Bethlem myopathy 1A. Last evaluated: 2021-08-28. Review status: criteria provided, single submitter. Criteria: Invitae Variant Classification Sherloc (09022015). Collection method: clinical testing. Allele origin: germline.
Comment: This sequence change replaces arginine with cysteine at codon 498 of the COL6A2 protein (p.Arg498Cys). The arginine residue is highly conserved and there is a large physicochemical difference between arginine and cysteine. This variant is present in population databases (rs776748046, ExAC 0.002%). This variant has not been reported in the literature in individuals affected with COL6A2-related conditions. Algorithms developed to predict the effect of missense changes on protein structure and function are either unavailable or do not agree on the potential impact of this missense change (SIFT: "Deleterious"; PolyPhen-2: "Probably Damaging"; Align-GVGD: "Class C15"). In summary, the available evidence is currently insufficient to determine the role of this variant in disease. Therefore, it has been classified as a Variant of Uncertain Significance.